The following is an entry in ClinVar:

NM_018263.6(ASXL2):c.1941T>C (p.Thr647=)

Gene: ASXL2 (ASXL transcriptional regulator 2; minus strand). Cytogenetic location: 2p23.3.
Variant type: single nucleotide variant.
Coding change: c.1941T>C on transcript NM_018263.6 (MANE Select); coding-DNA position 1941, T replaced by C.
Protein change: p.Thr647=; no amino-acid change (threonine 647 retained).
Molecular consequence: synonymous variant.
Genome position (GRCh38, 1-based): chr2:25,744,396, A>G on the plus strand (T>C on the coding strand, the complement: ASXL2 is on the minus strand). VCF-style: chr2-25744396-A-G. GRCh37 (hg19) VCF-style: chr2-25967265-A-G.
Other names: c.1767T>C, p.Thr589= (NM_001369346.1); c.1161T>C, p.Thr387= (NM_001369347.1).
Identifiers: ClinVar variation 741386 (VCV000741386.9), dbSNP rs367997831, ClinGen allele CA1557714.
Genomic context (GRCh38, chr2:25,744,396, plus strand): 5'-GACCAGTTGGGCTTTTGCTTTGATGTCTGCAAGAGTTCTGGCTCCTGTTCTGTTAGGACT[A>G]GTGATGGAGACTGGAAAACGAGCCCTGGGAGAGACCTGCGATGGATGAAACGGCATGGGG-3'
Protein context (NP_060733.4, residues 637-657): SPRARFPVSI[Thr647=]SPNRTGARTL

ClinVar aggregate classification (germline): Benign. Review status: criteria provided, single submitter (1 of 4 stars). 2 submissions from 2 submitters: Benign (1). 1 of the submissions does not count toward it. Last evaluated 2026-01-28.

Conditions:
ASXL2-related disorder. Also called: ASXL2-related condition.

Allele frequency attached by ClinVar (database versions not stated): 1000 Genomes Project 30x 0.00016; ESP Exome Variant Server 0.00017; 1000 Genomes Project 0.00020; gnomAD 0.00031 and 0.00033; TOPMed 0.00038.
gnomAD v4.1: 135 of 1,613,842 alleles (0.0084%); highest among the groups gnomAD compares: African/African-American, 0.15%; no homozygotes.

Submissions (2):

Labcorp Genetics (formerly Invitae), Labcorp
Classification: Benign. Last evaluated: 2026-01-28. Review status: criteria provided, single submitter. Criteria: Invitae Variant Classification Sherloc (09022015). Collection method: clinical testing. Allele origin: germline.

PreventionGenetics, part of Exact Sciences
Classification: Likely benign for ASXL2-related condition. Last evaluated: 2024-07-11. Review status: no assertion criteria provided. Collection method: clinical testing. Allele origin: germline. Not counted in ClinVar's aggregate classification.
Comment: This variant is classified as likely benign based on ACMG/AMP sequence variant interpretation guidelines (Richards et al. 2015 PMID: 25741868, with internal and published modifications).